The following is an entry in ClinVar:

NM_001197104.2(KMT2A):c.7038G>A (p.Leu2346=)

Gene: KMT2A (lysine methyltransferase 2A; plus strand). Cytogenetic location: 11q23.3.
Variant type: single nucleotide variant.
Coding change: c.7038G>A on transcript NM_001197104.2 (MANE Select); coding-DNA position 7038, G replaced by A.
Protein change: p.Leu2346=; no amino-acid change (leucine 2346 retained).
Molecular consequence: synonymous variant.
Genome position (GRCh38, 1-based): chr11:118,502,930, G>A. VCF-style: chr11-118502930-G-A. GRCh37 (hg19) VCF-style: chr11-118373645-G-A.
Other names: c.7029G>A, p.Leu2343= (NM_005933.4).
Identifiers: ClinVar variation 1216963 (VCV001216963.13), dbSNP rs782334675, ClinGen allele CA6304344.

ClinVar aggregate classification (germline): Likely benign. Review status: criteria provided, multiple submitters, no conflicts (2 of 4 stars). 3 submissions from 3 submitters: Likely benign (2). 1 of the submissions does not count toward it. Last evaluated 2024-06-10.

Conditions:
KMT2A-related disorder. Also called: KMT2A-related condition.

Allele frequency attached by ClinVar (database versions not stated): gnomAD exomes below 0.00001 and 0.00001; ExAC 0.00001; gnomAD 0.00001; TOPMed 0.00002.
gnomAD v4.1: 7 of 1,614,024 alleles (0.00043%); highest among the groups gnomAD compares: East Asian, 0.0067%; no homozygotes.

Submissions (3):

Labcorp Genetics (formerly Invitae), Labcorp
Classification: Likely benign. Last evaluated: 2024-06-10. Review status: criteria provided, single submitter. Criteria: Invitae Variant Classification Sherloc (09022015). Collection method: clinical testing. Allele origin: germline.

GeneDx
Classification: Likely benign. Last evaluated: 2020-03-25. Review status: criteria provided, single submitter. Criteria: GeneDx Variant Classification Process June 2021. Collection method: clinical testing. Allele origin: germline. Affected: yes.

PreventionGenetics, part of Exact Sciences
Classification: Likely benign for KMT2A-related condition. Last evaluated: 2023-02-08. Review status: no assertion criteria provided. Collection method: clinical testing. Allele origin: germline. Not counted in ClinVar's aggregate classification.
Comment: This variant is classified as likely benign based on ACMG/AMP sequence variant interpretation guidelines (Richards et al. 2015 PMID: 25741868, with internal and published modifications).